The following is an entry in ClinVar:

NM_003119.4(SPG7):c.2001G>A (p.Met667Ile)

Gene: SPG7 (SPG7 matrix AAA peptidase subunit, paraplegin; plus strand). Cytogenetic location: 16q24.3.
Variant type: single nucleotide variant.
Coding change: c.2001G>A on transcript NM_003119.4 (MANE Select); coding-DNA position 2001, G replaced by A.
Protein change: p.Met667Ile; replaces methionine 667 with isoleucine.
Molecular consequence: missense variant.
Genome position (GRCh38, 1-based): chr16:89,553,858, G>A. VCF-style: chr16-89553858-G-A. GRCh37 (hg19) VCF-style: chr16-89620266-G-A.
Other names: c.2001G>A, p.Met667Ile (NM_001363850.1); short protein forms M667I.
Identifiers: ClinVar variation 2500211 (VCV002500211.4), dbSNP rs2543849852, ClinGen allele CA397433981.

ClinVar aggregate classification (germline): Likely pathogenic. Review status: criteria provided, multiple submitters, no conflicts (2 of 4 stars). 2 submissions from 2 submitters: Likely pathogenic (2). Last evaluated 2025-11-05.

Conditions:
Hereditary spastic paraplegia 7 (SPG7). Also called: SPG7-related neurologic disorder; Autosomal recessive spastic paraplegia type 7; SPASTIC PARAPLEGIA 7, AUTOSOMAL RECESSIVE, WITH OR WITHOUT CEREBELLAR ATAXIA; Spastic paraplegia 7; Hereditary spastic paraplegia Paraplegin type. Identifiers: Orphanet 99013, MedGen C1846564, MONDO:0011803, OMIM 607259.

gnomAD v4.1: 3 of 1,613,530 alleles (0.00019%); highest among the groups gnomAD compares: Non-Finnish European, 0.00025%; no homozygotes.

Submissions (2):

Labcorp Genetics (formerly Invitae), Labcorp
Classification: Likely pathogenic for Hereditary spastic paraplegia 7. Last evaluated: 2025-11-05. Review status: criteria provided, single submitter. Criteria: Invitae Variant Classification Sherloc (09022015). Collection method: clinical testing. Allele origin: germline.
Comment: This sequence change replaces methionine, which is neutral and non-polar, with isoleucine, which is neutral and non-polar, at codon 667 of the SPG7 protein (p.Met667Ile). This variant is not present in population databases (gnomAD no frequency). This missense change has been observed in individuals with autosomal recessive hereditary spastic paraplegia (PMID: 31433872; internal data). ClinVar contains an entry for this variant (Variation ID: 2500211). Invitae Evidence Modeling of protein sequence and biophysical properties (such as structural, functional, and spatial information, amino acid conservation, physicochemical variation, residue mobility, and thermodynamic stability) indicates that this missense variant is expected to disrupt SPG7 protein function with a positive predictive value of 80%. In summary, the currently available evidence indicates that the variant is pathogenic, but additional data are needed to prove that conclusively. Therefore, this variant has been classified as Likely Pathogenic.

Neurometabolic Diseases Laboratory, Bellvitge Biomedical Research Institute (IDIBELL)
Classification: Likely pathogenic for Hereditary spastic paraplegia 7. Last evaluated: 2023-04-27. Review status: criteria provided, single submitter. Criteria: ACMG Guidelines, 2015. Collection method: research. Allele origin: germline. Affected: yes.

Literature cited by the submitters: PubMed 31433872 (cited by Labcorp Genetics (formerly Invitae), Labcorp).